The following is an entry in ClinVar:

NM_001292063.2(OTOG):c.5506C>T (p.Gln1836Ter)

Gene: OTOG (otogelin; plus strand). Cytogenetic location: 11p15.1.
Variant type: single nucleotide variant.
Coding change: c.5506C>T on transcript NM_001292063.2 (MANE Select); coding-DNA position 5506, C replaced by T.
Protein change: p.Gln1836Ter; replaces glutamine 1836 with a stop codon.
Molecular consequence: nonsense.
Genome position (GRCh38, 1-based): chr11:17,610,806, C>T. VCF-style: chr11-17610806-C-T. GRCh37 (hg19) VCF-style: chr11-17632353-C-T.
Other names: c.5542C>T, p.Gln1848Ter (NM_001277269.2); short protein forms Q1836*, Q1848*.
Identifiers: ClinVar variation 1120121 (VCV001120121.4), dbSNP rs2134091591, ClinGen allele CA379799939.

ClinVar aggregate classification (germline): Likely pathogenic (1 of 4 stars; one submission).

Conditions:
Nonsyndromic genetic hearing loss. Also called: Nonsyndromic genetic deafness; Non-syndromic genetic deafness; Nonsyndromic hearing loss and deafness. Identifiers: Orphanet 87884, MedGen C5680182, MONDO:0019497.

Submission:

Laboratory for Molecular Medicine, Mass General Brigham Personalized Medicine
Classification: Likely pathogenic for Nonsyndromic genetic hearing loss. Last evaluated: 2020-05-01. Review status: criteria provided, single submitter. Criteria: LMM Criteria. Collection method: clinical testing. Allele origin: germline. Inheritance: Autosomal recessive inheritance. Observed: 1 variant allele.
Comment: The p.Gln1848X variant in OTOG has not been previously reported in individuals with hearing loss and was absent from large population studies. This nonsense variant leads to a premature termination codon at position 1848, which is predicted to lead to a truncated or absent protein. Loss of function of the OTOG gene is an established disease mechanism in autosomal recessive non-syndromic hearing loss. In summary, although additional studies are required to fully establish its clinical significance, this variant meets criteria to be classified as likely pathogenic for autosomal recessive non-syndromic hearing loss. ACMG/AMP criteria applied: PVS1, PM2.